The following is an entry in ClinVar:

NM_032043.3(BRIP1):c.1798T>G (p.Phe600Val)

Gene: BRIP1 (BRCA1 interacting DNA helicase 1; minus strand). Cytogenetic location: 17q23.2.
Variant type: single nucleotide variant.
Coding change: c.1798T>G on transcript NM_032043.3 (MANE Select); coding-DNA position 1798, T replaced by G.
Protein change: p.Phe600Val; replaces phenylalanine 600 with valine.
Molecular consequence: missense variant.
Genome position (GRCh38, 1-based): chr17:61,780,398, A>C on the plus strand (T>G on the coding strand, the complement: BRIP1 is on the minus strand). VCF-style: chr17-61780398-A-C. GRCh37 (hg19) VCF-style: chr17-59857759-A-C.
Other names: short protein forms F600V.
Identifiers: ClinVar variation 3759041 (VCV003759041.2).

ClinVar aggregate classification (germline): Uncertain significance (1 of 4 stars; one submission).

Conditions:
Fanconi anemia complementation group J. Also called: BRIP1-Related Fanconi Anemia. Identifiers: Orphanet 84, MedGen C1836860, MONDO:0012187, OMIM 609054.
Familial cancer of breast. Also called: BREAST CANCER, FAMILIAL; Hereditary breast cancer; hereditary breast carcinoma. Identifiers: Orphanet 227535, MedGen C0346153, MONDO:0016419, OMIM 114480. Disease mechanism: loss of function.

Submission:

Labcorp Genetics (formerly Invitae), Labcorp
Classification: Uncertain significance for Familial cancer of breast; Fanconi anemia complementation group J. Last evaluated: 2024-09-30. Review status: criteria provided, single submitter. Criteria: Invitae Variant Classification Sherloc (09022015). Collection method: clinical testing. Allele origin: germline.
Comment: This sequence change replaces phenylalanine, which is neutral and non-polar, with valine, which is neutral and non-polar, at codon 600 of the BRIP1 protein (p.Phe600Val). This variant is not present in population databases (gnomAD no frequency). This variant has not been reported in the literature in individuals affected with BRIP1-related conditions. Invitae Evidence Modeling of protein sequence and biophysical properties (such as structural, functional, and spatial information, amino acid conservation, physicochemical variation, residue mobility, and thermodynamic stability) indicates that this missense variant is expected to disrupt BRIP1 protein function with a positive predictive value of 80%. In summary, the available evidence is currently insufficient to determine the role of this variant in disease. Therefore, it has been classified as a Variant of Uncertain Significance.